The following is an entry in ClinVar:

ClinVar aggregate classification (germline): Likely pathogenic (1 of 4 stars; one submission).

Submission:

ARUP Laboratories, Molecular Genetics and Genomics, ARUP Laboratories
Classification: Likely pathogenic. Last evaluated: 2024-09-19. Review status: criteria provided, single submitter. Criteria: ARUP Molecular Germline Variant Investigation Process 2024. Collection method: clinical testing. Allele origin: germline.
Comment: The TTN c.12675del p.Leu4226Ter variant (rs1251061138), to our knowledge, is not reported in the medical literature or gene specific databases. This variant is also absent from the Genome Aggregation Database (v2.1.1), indicating it is not a common polymorphism. This variant occurs in an exon that is spliced into 100% of TTN transcripts, and it deletes a single nucleotide, induces an early termination codon, and is predicted to result in a truncated protein or mRNA subject to nonsense-mediated decay. Based on available information, this variant is considered to be likely pathogenic.

NM_001267550.2(TTN):c.12675del (p.Tyr4225_Leu4226insTer)

Gene: TTN (titin; minus strand). Cytogenetic location: 2q31.2.
Variant type: Deletion.
Coding change: c.12675del on transcript NM_001267550.2 (MANE Select); coding-DNA position 12675, one base deleted (T; older notation c.12675delT).
Protein change: p.Tyr4225_Leu4226insTer.
Molecular consequence: frameshift variant. On other transcripts: intron variant (1).
Genome position (GRCh38, 1-based): chr2:178,740,558, A deleted on the plus strand (T on the coding strand, the reverse complement: TTN is on the minus strand). VCF-style (leftmost placement, unchanged base first): chr2-178740557-GA-G. GRCh37 (hg19) VCF-style: chr2-179605284-GA-G.
Other names: c.11724del, p.Tyr3908_Leu3909insTer (NM_001256850.1); c.11586del, p.Tyr3862_Leu3863insTer (NM_003319.4); c.11961del, p.Tyr3987_Leu3988insTer (NM_133432.3); c.12162del, p.Tyr4054_Leu4055insTer (NM_133437.4); c.10361-2198del (NM_133378.4).
Identifiers: ClinVar variation 3766841 (VCV003766841.1).